The following is an entry in ClinVar:

NM_205861.3(DHDDS):c.658-2A>G

Gene: DHDDS (dehydrodolichyl diphosphate synthase subunit; plus strand). Cytogenetic location: 1p36.11.
Variant type: single nucleotide variant.
Coding change: c.658-2A>G on transcript NM_205861.3 (MANE Select); the canonical splice acceptor site of the intron before coding-DNA position 658, A replaced by G.
Molecular consequence: splice acceptor variant.
Genome position (GRCh38, 1-based): chr1:26,460,035, A>G. VCF-style: chr1-26460035-A-G. GRCh37 (hg19) VCF-style: chr1-26786526-A-G.
Other names: c.379-2A>G (NM_001319959.2); c.658-2A>G (NM_024887.4); c.556-2A>G (NM_001243564.2); c.541-2A>G (NM_001243565.2).
Identifiers: ClinVar variation 1066115 (VCV001066115.10), dbSNP rs1248671884, ClinGen allele CA339144991.

ClinVar aggregate classification (germline): Likely pathogenic. Review status: criteria provided, multiple submitters, no conflicts (2 of 4 stars). 4 submissions from 4 submitters: Likely pathogenic (4). Last evaluated 2025-07-17.

Conditions:
Retinitis pigmentosa 59 (RP59). Identifiers: Orphanet 791, MedGen C3151227, MONDO:0013468, OMIM 613861.
Developmental delay and seizures with or without movement abnormalities. Identifiers: MedGen C4693376, MONDO:0044326, OMIM 617836.

Allele frequency attached by ClinVar (database versions not stated): gnomAD exomes below 0.00001 and 0.00001.

Submissions (4):

Natera, Inc.
Classification: Likely pathogenic for Retinitis pigmentosa type 59. Last evaluated: 2025-07-17. Review status: criteria provided, single submitter. Criteria: Natera Variant Classification Schema (03/2026). Collection method: clinical testing. Allele origin: germline.
Comment: The c.658-2A>G variant in DHDDS is a canonical splice acceptor site variant predicted to affect pre-mRNA splicing, which may result in an abnormal transcript and altered protein product. This variant is expected to result in nonsense mediated decay, truncation, or a dysfunctional protein product. This variant is rare in the general population with a frequency below the threshold expected for the associated phenotype(s). Given the available evidence, this variant is classified as Likely Pathogenic.

Labcorp Genetics (formerly Invitae), Labcorp
Classification: Likely pathogenic for Retinitis pigmentosa 59. Last evaluated: 2025-01-23. Review status: criteria provided, single submitter. Criteria: Invitae Variant Classification Sherloc (09022015). Collection method: clinical testing. Allele origin: germline.
Comment: This sequence change affects an acceptor splice site in intron 7 of the DHDDS gene. It is expected to disrupt RNA splicing. Variants that disrupt the donor or acceptor splice site typically lead to a loss of protein function (PMID: 16199547), and loss-of-function variants in DHDDS are known to be pathogenic (PMID: 24664742). This variant is present in population databases (no rsID available, gnomAD 0.006%). This variant has not been reported in the literature in individuals affected with DHDDS-related conditions. ClinVar contains an entry for this variant (Variation ID: 1066115). Algorithms developed to predict the effect of sequence changes on RNA splicing suggest that this variant may disrupt the consensus splice site. In summary, the currently available evidence indicates that the variant is pathogenic, but additional data are needed to prove that conclusively. Therefore, this variant has been classified as Likely Pathogenic.

Baylor Genetics
Classification: Likely pathogenic for Retinitis pigmentosa 59. Last evaluated: 2023-08-21. Review status: criteria provided, single submitter. Criteria: ACMG Guidelines, 2015. Collection method: clinical testing. Allele origin: unknown.

Fulgent Genetics
Classification: Likely pathogenic for Retinitis pigmentosa 59; Developmental delay and seizures with or without movement abnormalities. Last evaluated: 2022-03-29. Review status: criteria provided, single submitter. Criteria: ACMG Guidelines, 2015. Collection method: clinical testing. Allele origin: unknown.

Literature cited by the submitters: PubMed 16199547 (cited by Labcorp Genetics (formerly Invitae), Labcorp); PubMed 24664742 (cited by Labcorp Genetics (formerly Invitae), Labcorp).